The following is an entry in ClinVar:

NM_000682.7(ADRA2B):c.21C>T (p.Tyr7=)

Gene: ADRA2B (adrenoceptor alpha 2B; minus strand). Cytogenetic location: 2q11.2.
Variant type: single nucleotide variant.
Coding change: c.21C>T on transcript NM_000682.7 (MANE Select); coding-DNA position 21, C replaced by T.
Protein change: p.Tyr7=; no amino-acid change (tyrosine 7 retained).
Molecular consequence: synonymous variant.
Genome position (GRCh38, 1-based): chr2:96,116,129, G>A on the plus strand (C>T on the coding strand, the complement: ADRA2B is on the minus strand). VCF-style: chr2-96116129-G-A. GRCh37 (hg19) VCF-style: chr2-96781868-G-A.
Identifiers: ClinVar variation 3036697 (VCV003036697.2), dbSNP rs750207825, ClinGen allele CA1776086.

ClinVar aggregate classification (germline): Likely benign (0 of 4 stars; one submission).

Conditions:
ADRA2B-related disorder. Also called: ADRA2B-related condition.

Allele frequency attached by ClinVar (database versions not stated): gnomAD exomes below 0.00001; ExAC 0.00001.

Submission:

PreventionGenetics, part of Exact Sciences
Classification: Likely benign for ADRA2B-related condition. Last evaluated: 2020-05-26. Review status: no assertion criteria provided. Collection method: clinical testing. Allele origin: germline.
Comment: This variant is classified as likely benign based on ACMG/AMP sequence variant interpretation guidelines (Richards et al. 2015 PMID: 25741868, with internal and published modifications).